The following is an entry in ClinVar:

NM_000202.8(IDS):c.1644G>T (p.Leu548Phe)

Gene: IDS (iduronate 2-sulfatase; minus strand). Cytogenetic location: Xq28.
Variant type: single nucleotide variant.
Coding change: c.1644G>T on transcript NM_000202.8 (MANE Select); coding-DNA position 1644, G replaced by T.
Protein change: p.Leu548Phe; replaces leucine 548 with phenylalanine.
Molecular consequence: missense variant.
Genome position (GRCh38, 1-based): chrX:149,482,755, C>A on the plus strand (G>T on the coding strand, the complement: IDS is on the minus strand). VCF-style: chrX-149482755-C-A. GRCh37 (hg19) VCF-style: chrX-148564286-C-A.
Other names: c.1374G>T, p.Leu458Phe (NM_001166550.4); short protein forms L458F, L548F.
Identifiers: ClinVar variation 3626128 (VCV003626128.2).

ClinVar aggregate classification (germline): Uncertain significance (1 of 4 stars; one submission).

Conditions:
Mucopolysaccharidosis, MPS-II (MPS2). Also called: Mucopolysaccharidosis with skin involvement; IDS deficiency; Sulfoiduronate sulfatase deficiency; SIDS deficiency; Attenuated MPS (subtype; formerly known as mild MPS II); Severe MPS II. Identifiers: Orphanet 580, Orphanet 79388, MedGen C0026705, MONDO:0010674, OMIM 309900.

Submission:

Labcorp Genetics (formerly Invitae), Labcorp
Classification: Uncertain significance for Mucopolysaccharidosis, MPS-II. Last evaluated: 2024-10-24. Review status: criteria provided, single submitter. Criteria: Invitae Variant Classification Sherloc (09022015). Collection method: clinical testing. Allele origin: germline.
Comment: This sequence change replaces leucine, which is neutral and non-polar, with phenylalanine, which is neutral and non-polar, at codon 548 of the IDS protein (p.Leu548Phe). This variant is not present in population databases (gnomAD no frequency). This variant has not been reported in the literature in individuals affected with IDS-related conditions. Invitae Evidence Modeling of protein sequence and biophysical properties (such as structural, functional, and spatial information, amino acid conservation, physicochemical variation, residue mobility, and thermodynamic stability) indicates that this missense variant is not expected to disrupt IDS protein function with a negative predictive value of 80%. In summary, the available evidence is currently insufficient to determine the role of this variant in disease. Therefore, it has been classified as a Variant of Uncertain Significance.